The following is an entry in ClinVar:

NM_001430.5(EPAS1):c.1412G>A (p.Ser471Asn)

Gene: EPAS1 (endothelial PAS domain protein 1; plus strand). Cytogenetic location: 2p21.
Variant type: single nucleotide variant.
Coding change: c.1412G>A on transcript NM_001430.5 (MANE Select); coding-DNA position 1412, G replaced by A.
Protein change: p.Ser471Asn; replaces serine 471 with asparagine.
Molecular consequence: missense variant.
Genome position (GRCh38, 1-based): chr2:46,378,056, G>A. VCF-style: chr2-46378056-G-A. GRCh37 (hg19) VCF-style: chr2-46605195-G-A.
Other names: short protein forms S471N.
Identifiers: ClinVar variation 3275670 (VCV003275670.1).

ClinVar aggregate classification (germline): Uncertain significance (1 of 4 stars; one submission).

Conditions:
Inborn genetic diseases. Identifiers: MedGen C0950123, MeSH D030342.

gnomAD v4.1: 1 of 1,607,184 alleles (0.000062%); highest among the groups gnomAD compares: Non-Finnish European, 0.000085%; no homozygotes.

Submission:

Ambry Genetics
Classification: Uncertain significance for Inborn genetic diseases. Last evaluated: 2024-03-22. Review status: criteria provided, single submitter. Criteria: Ambry Variant Classification Scheme 2023. Collection method: clinical testing. Allele origin: germline.
Comment: The p.S471N variant (also known as c.1412G>A), located in coding exon 10 of the EPAS1 gene, results from a G to A substitution at nucleotide position 1412. The serine at codon 471 is replaced by asparagine, an amino acid with highly similar properties. This amino acid position is conserved. In addition, this alteration is predicted to be tolerated by in silico analysis. Based on the available evidence, the clinical significance of this alteration remains unclear.